The following is an entry in ClinVar:

ClinVar aggregate classification (germline): Likely benign. Review status: criteria provided, single submitter (1 of 4 stars). 2 submissions from 2 submitters: Likely benign (1). 1 of the submissions does not count toward it. Last evaluated 2018-08-16.

Conditions:
SEMA3A-related disorder. Also called: SEMA3A-related condition.

Allele frequency attached by ClinVar (database versions not stated): gnomAD 0.00002; TOPMed 0.00002; gnomAD exomes 0.00004.
gnomAD v4.1: 61 of 1,608,542 alleles (0.0038%); highest among the groups gnomAD compares: Non-Finnish European, 0.0049%; no homozygotes.

Submissions (2):

Labcorp Genetics (formerly Invitae), Labcorp
Classification: Likely benign. Last evaluated: 2018-08-16. Review status: criteria provided, single submitter. Criteria: Invitae Variant Classification Sherloc (09022015). Collection method: clinical testing. Allele origin: germline.

PreventionGenetics, part of Exact Sciences
Classification: Likely benign for SEMA3A-related condition. Last evaluated: 2024-03-27. Review status: no assertion criteria provided. Collection method: clinical testing. Allele origin: germline. Not counted in ClinVar's aggregate classification.
Comment: This variant is classified as likely benign based on ACMG/AMP sequence variant interpretation guidelines (Richards et al. 2015 PMID: 25741868, with internal and published modifications).

NM_006080.3(SEMA3A):c.1074C>T (p.His358=)

Gene: SEMA3A (semaphorin 3A; minus strand). Cytogenetic location: 7q21.11.
Variant type: single nucleotide variant.
Coding change: c.1074C>T on transcript NM_006080.3 (MANE Select); coding-DNA position 1074, C replaced by T.
Protein change: p.His358=; no amino-acid change (histidine 358 retained).
Molecular consequence: synonymous variant.
Genome position (GRCh38, 1-based): chr7:84,007,419, G>A on the plus strand (C>T on the coding strand, the complement: SEMA3A is on the minus strand). VCF-style: chr7-84007419-G-A. GRCh37 (hg19) VCF-style: chr7-83636735-G-A.
Identifiers: ClinVar variation 764679 (VCV000764679.4), dbSNP rs1056198853, ClinGen allele CA161195090.